The following is an entry in ClinVar:

ClinVar aggregate classification (germline): Uncertain significance (1 of 4 stars; one submission).

Conditions:
Early-infantile DEE. Also called: Early infantile epileptic encephalopathy with suppression bursts; Early infantile epileptic encephalopathy; Ohtahara syndrome. Identifiers: Orphanet 1934, MedGen C0393706, MONDO:0800491.

Submission:

Labcorp Genetics (formerly Invitae), Labcorp
Classification: Uncertain significance for Early-infantile DEE. Last evaluated: 2022-09-13. Review status: criteria provided, single submitter. Criteria: Invitae Variant Classification Sherloc (09022015). Collection method: clinical testing. Allele origin: germline.
Comment: In summary, the available evidence is currently insufficient to determine the role of this variant in disease. Therefore, it has been classified as a Variant of Uncertain Significance. Advanced modeling of protein sequence and biophysical properties (such as structural, functional, and spatial information, amino acid conservation, physicochemical variation, residue mobility, and thermodynamic stability) has been performed at Invitae for this missense variant, however the output from this modeling did not meet the statistical confidence thresholds required to predict the impact of this variant on SPTAN1 protein function. This variant has not been reported in the literature in individuals affected with SPTAN1-related conditions. This variant is not present in population databases (gnomAD no frequency). This sequence change replaces proline, which is neutral and non-polar, with leucine, which is neutral and non-polar, at codon 1414 of the SPTAN1 protein (p.Pro1414Leu).

NM_001130438.3(SPTAN1):c.4241C>T (p.Pro1414Leu)

Gene: SPTAN1 (spectrin alpha, non-erythrocytic 1; plus strand). Cytogenetic location: 9q34.11.
Variant type: single nucleotide variant.
Coding change: c.4241C>T on transcript NM_001130438.3 (MANE Select); coding-DNA position 4241, C replaced by T.
Protein change: p.Pro1414Leu; replaces proline 1414 with leucine.
Molecular consequence: missense variant.
Genome position (GRCh38, 1-based): chr9:128,607,946, C>T. VCF-style: chr9-128607946-C-T. GRCh37 (hg19) VCF-style: chr9-131370225-C-T.
Other names: c.4181C>T, p.Pro1394Leu (NM_001195532.2, NM_001363765.2, NM_001375314.2); c.4241C>T, p.Pro1414Leu (NM_001363759.2, NM_001375310.1, NM_001375311.2 and 2 more transcripts); c.4277C>T, p.Pro1426Leu (NM_001375312.2, NM_001375318.1); short protein forms P1394L, P1414L, P1426L.
Identifiers: ClinVar variation 1719305 (VCV001719305.5), dbSNP rs2541751051, ClinGen allele CA375066543.